The following is an entry in ClinVar:

NM_000435.3(NOTCH3):c.1872T>C (p.Cys624=)

Gene: NOTCH3 (notch receptor 3; minus strand). Cytogenetic location: 19p13.12.
Variant type: single nucleotide variant.
Coding change: c.1872T>C on transcript NM_000435.3 (MANE Select); coding-DNA position 1872, T replaced by C.
Protein change: p.Cys624=; no amino-acid change (cysteine 624 retained).
Molecular consequence: synonymous variant.
Genome position (GRCh38, 1-based): chr19:15,186,957, A>G on the plus strand (T>C on the coding strand, the complement: NOTCH3 is on the minus strand). VCF-style: chr19-15186957-A-G. GRCh37 (hg19) VCF-style: chr19-15297768-A-G.
Identifiers: ClinVar variation 4682454 (VCV004682454.1).
Genomic context (GRCh38, chr19:15,186,957, plus strand): 5'-GACACAGTCGTAGCGGTTGATGCCATCACGGCAGACTCCAAAGGTGCAGGGGTTGCTGGC[A>G]CAGTCGTCAATGTTCACTTCGCAGTTCACACCTAGGGGCCAGGAACATGGCATGGAGTGG-3'
Protein context (NP_000426.2, residues 614-634): GVNCEVNIDD[Cys624=]ASNPCTFGVC

ClinVar aggregate classification (germline): Likely benign (1 of 4 stars; one submission).

Submission:

Athena Diagnostics
Classification: Likely benign. Last evaluated: 2025-05-20. Review status: criteria provided, single submitter. Criteria: Athena Diagnostics Criteria. Collection method: clinical testing. Allele origin: unknown.
Comment: This variant has not been reported in large, multi-ethnic general populations. Computational tools yielded predictions that this variant is unlikely to have an effect on normal RNA splicing. This nucleotide position exhibits low evolutionary conservation. This variant has been seen where an alternate explanation for disease was also identified.